The following is an entry in ClinVar:

ClinVar aggregate classification (germline): Pathogenic/Likely pathogenic. Review status: criteria provided, multiple submitters, no conflicts (2 of 4 stars). 11 submissions from 11 submitters: Pathogenic (10); Likely pathogenic (1). Last evaluated 2025-12-31.

Conditions:
Neurofibromatosis, type 1 (NF1). Also called: NEUROFIBROMATOSIS, TYPE I, SOMATIC; Neurofibromatosis, type I; Peripheral type neurofibromatosis; VON RECKLINGHAUSEN DISEASE. Identifiers: Orphanet 636, MedGen C0027831, MONDO:0018975, OMIM 162200. Disease mechanism: loss of function.
Neurofibromatosis-Noonan syndrome (NFNS). Also called: NEUROFIBROMATOSIS WITH NOONAN PHENOTYPE. Identifiers: Orphanet 638, MedGen C2931482, MONDO:0011035, OMIM 601321. Disease mechanism: loss of function.
Cardiovascular phenotype. Identifiers: MedGen CN230736.
Hereditary cancer-predisposing syndrome. Also called: Neoplastic Syndromes, Hereditary; Tumor predisposition; Hereditary neoplastic syndrome; Hereditary Cancer Syndrome. Identifiers: Orphanet 140162, MedGen C0027672, MeSH D009386, MONDO:0015356.

Submissions (11):

Labcorp Genetics (formerly Invitae), Labcorp
Classification: Pathogenic for Neurofibromatosis, type 1. Last evaluated: 2025-12-31. Review status: criteria provided, single submitter. Criteria: Invitae Variant Classification Sherloc (09022015). Collection method: clinical testing. Allele origin: germline.
Comment: This variant, c.3639_3641del, results in the deletion of 1 amino acid(s) of the NF1 protein (p.Met1215del), but otherwise preserves the integrity of the reading frame. This variant is not present in population databases (gnomAD no frequency). This variant has been observed in individuals with neurofibromatosis type 1 (PMID: 10712197, 16835897, 18546366, 26635368). Invitae Evidence Modeling of clinical and family history, age, sex, and reported ancestry of multiple individuals with this NF1 variant has been performed. This variant is expected to be pathogenic with a positive predictive value of at least 99%. This is a validated machine learning model that incorporates the clinical features of 1,785,918 individuals referred to our laboratory for NF1 testing. This variant is also known as 3643delATG. ClinVar contains an entry for this variant (Variation ID: 404465). Algorithms developed to predict the effect of variants on gene product structure and function are not available or were not evaluated for this variant. Experimental studies have shown that this variant affects NF1 function (PMID: 26635368). For these reasons, this variant has been classified as Pathogenic.

Quest Diagnostics Nichols Institute San Juan Capistrano
Classification: Likely pathogenic. Last evaluated: 2025-10-22. Review status: criteria provided, single submitter. Criteria: Quest Diagnostics criteria. Collection method: clinical testing. Allele origin: unknown.
Comment: The NF1 c.3639_3641del (p.Met1215del) variant has been reported in the published literature in individuals affected with neurofibromatosis type 1 (PMIDs: 18546366 (2008), 10712197 (2000)). Assessment of experimental analysis yielded damaging results regarding the impact of this variant on protein function (PMID: 26635368 (2016)). This variant has not been reported in large, multi-ethnic general populations (Genome Aggregation Database). Based on the available information, this variant is classified as likely pathogenic .

3billion
Classification: Pathogenic for Neurofibromatosis, type 1. Last evaluated: 2025-10-02. Review status: criteria provided, single submitter. Criteria: ACMG Guidelines, 2015. Collection method: clinical testing. Allele origin: germline. Affected: yes.
Comment: The variant is not observed in the gnomAD v4.1.0 dataset. Predicted Consequence/Location: Inframe deletion located in a nonrepeat region: predicted to change the length of the protein and disrupt normal protein function. Functional studies provide supporting evidence of the variant having a damaging effect on the gene or gene product (PMID: 26635368). The variant has been observed in multiple (>3) similarly affected unrelated individuals (PMID: 16835897, 26635368). The variant has been reported at least twice as pathogenic with clinical assertions and evidence for the classification (ClinVar ID: VCV000404465 /PMID: 16835897 /3billion dataset). Therefore, this variant is classified as Pathogenic according to the recommendation of ACMG/AMP guideline.

ARUP Laboratories, Molecular Genetics and Genomics, ARUP Laboratories
Classification: Pathogenic. Last evaluated: 2025-05-29. Review status: criteria provided, single submitter. Criteria: ARUP Molecular Germline Variant Investigation Process 2024. Collection method: clinical testing. Allele origin: germline.
Comment: The NF1 c.3639_3641del; p.Met1215del variant (rs1060500276; ClinVar ID: 404465) is reported in the literature in multiple individuals with a diagnosis or suspicion of neurofibromatosis type 1 (Cannon 2018, Fahsold 2000, Flores Pimentel 2022, Lee 2006, Martorana 2023, Pros 2008, Sabbagh 2013). This variant is also absent from the Genome Aggregation Database (v2.1.1), indicating it is not a common polymorphism. This variant deletes a single methionine residue leaving the rest of the protein in-frame. Functional studies demonstrate that this variant disrupts interactions with the NF1 binding partner protein SPRED1 (Dunzendorfer-Matt 2016, Hirata 2016). Based on available information, this variant is considered to be pathogenic. References: Cannon A et al. Cutaneous neurofibromas in Neurofibromatosis type I: a quantitative natural history study. Orphanet J Rare Dis. 2018 Feb 7;13(1):31. PMID: 29415745. Dunzendorfer-Matt T et al. The neurofibromin recruitment factor Spred1 binds to the GAP related domain without affecting Ras inactivation. Proc Natl Acad Sci U S A. 2016 Jul 5;113(27):7497-502. PMID: 27313208. Fahsold R et al. Minor lesion mutational spectrum of the entire NF1 gene does not explain its high mutability but points to a functional domain upstream of the GAP-related domain. Am J Hum Genet. 2000 Mar;66(3):790-818. PMID: 10712197. Flores Pimentel M et al. Prevalence of Choroidal Abnormalities and Lisch Nodules in Children Meeting Clinical and Molecular Diagnosis of Neurofibromatosis Type 1. Transl Vis Sci Technol. 2022 Feb 1;11(2):10. PMID: 35119474. Hirata Y et al. Interaction between a Domain of the Negative Regulator of the Ras-ERK Pathway, SPRED1 Protein, and the GTPase-activating Protein-related Domain of Neurofibromin Is Implicated in Legius Syndrome and Neurofibromatosis Type 1. J Biol Chem. 2016 Feb 12;291(7):3124-34. PMID: 26635368. Lee MJ et al. Identification of forty-five novel and twenty-three known NF1 mutations in Chinese patients with neurofibromatosis type 1. Hum Mutat. 2006 Aug;27(8):832. PMID: 16835897. Martorana D et al. Reassessment of the NF1 variants of unknown significance found during the 20-year activity of a genetics diagnostic laboratory. Eur J Med Genet. 2023 Nov;66(11):104847. PMID: 37751797. Pros E et al. Nature and mRNA effect of 282 different NF1 point mutations: focus on splicing alterations. Hum Mutat. 2008 Sep;29(9):E173-93. PMID: 18546366. Sabbagh A et al. NF1 molecular characterization and neurofibromatosis type I genotype-phenotype correlation: the French experience. Hum Mutat. 2013 Nov;34(11):1510-8. PMID: 23913538.

Laboratory of Genetics, Children's Clinical University Hospital Latvia
Classification: Pathogenic. Last evaluated: 2025-02-16. Review status: criteria provided, single submitter. Criteria: ACMG Guidelines, 2015. Collection method: clinical testing. Allele origin: germline. Affected: yes.

Medical Genetics, University of Parma
Classification: Pathogenic for Neurofibromatosis, type 1. Last evaluated: 2022-08-17. Review status: criteria provided, single submitter. Criteria: ACMG Guidelines, 2015. Collection method: clinical testing. Allele origin: germline. Inheritance: Autosomal dominant inheritance. Affected: yes.

GeneDx
Classification: Pathogenic. Last evaluated: 2022-05-05. Review status: criteria provided, single submitter. Criteria: GeneDx Variant Classification Process June 2021. Collection method: clinical testing. Allele origin: germline. Affected: yes.
Comment: In-frame deletion of 1 amino acid in a non-repeat region; Observed in individuals with Neurofibromatosis type 1 (Lee 2006, Pros 2008, Cannon 2018, Hirata 2016); In silico analysis supports a deleterious effect on protein structure/function; Not observed in large population cohorts (gnomAD); This variant is associated with the following publications: (PMID: 10712197, 16835897, 26635368, 29415745, 18546366, 25486365, 22807134)

Genome-Nilou Lab
Classification: Pathogenic for Neurofibromatosis, type 1. Last evaluated: 2022-03-15. Review status: criteria provided, single submitter. Criteria: ACMG Guidelines, 2015. Collection method: clinical testing. Allele origin: germline. Affected: no.

Ambry Genetics
Classification: Pathogenic for Cardiovascular phenotype; Hereditary cancer-predisposing syndrome. Last evaluated: 2021-06-02. Review status: criteria provided, single submitter. Criteria: Ambry Variant Classification Scheme 2023. Collection method: clinical testing. Allele origin: germline.
Comment: The c.3639_3641delAAT pathogenic mutation (also known as p.M1215del) is located in coding exon 27 of the NF1 gene. This pathogenic mutation results from an in-frame AAT deletion at nucleotide positions 3639 to 3641. This results in the in-frame deletion of a methionine at codon 1215. This alteration has been reported in several individuals affected with neurofibromatosis type 1 (Fahsold R et al. Am J Hum Genet, 2000 Mar;66:790-818; Lee MJ et al. Hum Mutat, 2006 Aug;27:832; Pros E et al. Hum Mutat, 2008 Sep;29:E173-93; Sabbagh A et al. Hum Mutat, 2013 Nov;34:1510-8; Hirata Y et al. J Biol Chem, 2016 Feb;291:3124-34). Functional studies have also demonstrated that this alteration impairs binding to the EVH1 domain of SPRED1 (Hirata Y et al. J Biol Chem, 2016 Feb;291:3124-34; Dunzendorfer-Matt T et al. Proc Natl Acad Sci U S A, 2016 07;113:7497-502). This variant is considered to be rare based on population cohorts in the Genome Aggregation Database (gnomAD). In addition, this alteration is predicted to be deleterious by in silico analysis (Choi Y et al. PLoS ONE. 2012; 7(10):e46688). Based on the supporting evidence, this alteration is interpreted as a disease-causing mutation.

Genome Diagnostics Laboratory, The Hospital for Sick Children
Classification: Pathogenic for Neurofibromatosis, type 1. Last evaluated: 2020-10-26. Review status: criteria provided, single submitter. Criteria: ACMG Guidelines, 2015. Collection method: clinical testing. Allele origin: germline. Affected: yes.

Neuberg Centre For Genomic Medicine, NCGM
Classification: Pathogenic for Neurofibromatosis-Noonan syndrome. Review status: criteria provided, single submitter. Criteria: ACMG Guidelines, 2015. Collection method: clinical testing. Allele origin: germline. Inheritance: Autosomal dominant inheritance. Affected: yes.
Comment: The observed missense variant c.3639_3641del(p.Met1215del) in NF1 gene has been reported previously in heterozygous state in multiple individuals with neurofibromatosis type 1 (Cannon A, et al., 2018, Dunzendorfer-Matt T, et al., 2016). Experimental studies have demonstrated that this alteration impairs binding to the EVH1 domain of SPRED1, which functions as a negative regulator of the Ras-ERK pathway and interacts with neurofibromin, the NF1 gene product (Hirata Y, et al., 2016). The c.3639_3641del (p.Met1215del) variant is absent in gnomAD Exomes. This variant has been reported to the ClinVar database as Pathogenic (multiple submitters). This p.Met1215del causes deletion of amino acid Methionine at position 1215. For these reasons, this variant has been classified as Pathogenic.

Literature cited by the submitters: PubMed 10712197 (cited by Labcorp Genetics (formerly Invitae), Labcorp); PubMed 16835897 (cited by Labcorp Genetics (formerly Invitae), Labcorp and 3billion); PubMed 18546366 (cited by Labcorp Genetics (formerly Invitae), Labcorp); PubMed 26635368 (cited by Labcorp Genetics (formerly Invitae), Labcorp and 3billion).

NM_001042492.3(NF1):c.3639_3641del (p.Met1215del)

Gene: NF1 (neurofibromin 1; plus strand). Cytogenetic location: 17q11.2.
Variant type: Deletion.
Coding change: c.3639_3641del on transcript NM_001042492.3 (MANE Select); coding-DNA positions 3639 to 3641, 3 bases deleted (AAT; older notation c.3639_3641delAAT).
Protein change: p.Met1215del; deletes methionine 1215.
Molecular consequence: inframe deletion. On other transcripts: inframe indel (1).
Genome position (GRCh38, 1-based): chr17:31,233,144-31,233,146, AAT deleted. VCF-style (leftmost placement, unchanged base first): chr17-31233143-CAAT-C. GRCh37 (hg19) VCF-style: chr17-29560161-CAAT-C.
Other names: c.3639_3641delAAT (NM_000267.3); c.3639_3641delAAT, p.Met1215del (NM_000267.4); short protein forms M1215del.
Identifiers: ClinVar variation 404465 (VCV000404465.25), dbSNP rs1060500276, ClinGen allele CA16615228.